The following is an entry in ClinVar:

ClinVar aggregate classification (germline): Uncertain significance (1 of 4 stars; one submission).

gnomAD v4.1: 7 of 1,614,068 alleles (0.00043%); highest among the groups gnomAD compares: African/African-American, 0.0013%; no homozygotes.

Submission:

Labcorp Genetics (formerly Invitae), Labcorp
Classification: Uncertain significance. Last evaluated: 2025-05-18. Review status: criteria provided, single submitter. Criteria: Invitae Variant Classification Sherloc (09022015). Collection method: clinical testing. Allele origin: germline.
Comment: This sequence change replaces arginine, which is basic and polar, with glutamine, which is neutral and polar, at codon 278 of the SLC25A38 protein (p.Arg278Gln). This variant is not present in population databases (gnomAD no frequency). This variant has not been reported in the literature in individuals affected with SLC25A38-related conditions. Invitae Evidence Modeling of protein sequence and biophysical properties (such as structural, functional, and spatial information, amino acid conservation, physicochemical variation, residue mobility, and thermodynamic stability) indicates that this missense variant is expected to disrupt SLC25A38 protein function with a positive predictive value of 80%. In summary, the available evidence is currently insufficient to determine the role of this variant in disease. Therefore, it has been classified as a Variant of Uncertain Significance.

NM_017875.4(SLC25A38):c.833G>A (p.Arg278Gln)

Gene: SLC25A38 (solute carrier family 25 member 38; plus strand). Cytogenetic location: 3p22.1.
Variant type: single nucleotide variant.
Coding change: c.833G>A on transcript NM_017875.4 (MANE Select); coding-DNA position 833, G replaced by A.
Protein change: p.Arg278Gln; replaces arginine 278 with glutamine.
Molecular consequence: missense variant. On other transcripts: synonymous variant (1).
Genome position (GRCh38, 1-based): chr3:39,396,438, G>A. VCF-style: chr3-39396438-G-A. GRCh37 (hg19) VCF-style: chr3-39437929-G-A.
Other names: c.666G>A, p.Pro222= (NM_001354798.2); short protein forms R278Q.
Identifiers: ClinVar variation 4701028 (VCV004701028.1).
Genomic context (GRCh38, chr3:39,396,438, plus strand): 5'-GACATTTATTTTCACCATAGGACTATGGACTACGTGGCTTCTTCCAAGGTGGCATCCCCC[G>A]AGCCCTCCGCAGAACTCTAATGGCAGCAATGGCGTGGACGGTGTATGAAGAGATGATGGC-3'
Protein context (NP_060345.2, residues 268-288): LRGFFQGGIP[Arg278Gln]ALRRTLMAAM